The following is an entry in ClinVar:

NM_032043.3(BRIP1):c.379+1G>T

Gene: BRIP1 (BRCA1 interacting DNA helicase 1; minus strand). Cytogenetic location: 17q23.2.
Variant type: single nucleotide variant.
Coding change: c.379+1G>T on transcript NM_032043.3 (MANE Select); the canonical splice donor site of the intron after coding-DNA position 379, G replaced by T.
Molecular consequence: splice donor variant.
Genome position (GRCh38, 1-based): chr17:61,857,057, C>A on the plus strand (G>T on the coding strand, the complement: BRIP1 is on the minus strand). VCF-style: chr17-61857057-C-A. GRCh37 (hg19) VCF-style: chr17-59934418-C-A.
Identifiers: ClinVar variation 860301 (VCV000860301.14), dbSNP rs1437158047, ClinGen allele CA400485257.

ClinVar aggregate classification (germline): Likely pathogenic. Review status: criteria provided, multiple submitters, no conflicts (2 of 4 stars). 4 submissions from 4 submitters: Likely pathogenic (4). Last evaluated 2025-08-25.

Conditions:
Familial ovarian cancer. Identifiers: MedGen C5679802, MONDO:0016248.
Hereditary cancer-predisposing syndrome. Also called: Hereditary neoplastic syndrome; Tumor predisposition; Neoplastic Syndromes, Hereditary; Hereditary Cancer Syndrome. Identifiers: Orphanet 140162, MedGen C0027672, MeSH D009386, MONDO:0015356.
Fanconi anemia complementation group J. Also called: BRIP1-Related Fanconi Anemia. Identifiers: Orphanet 84, MedGen C1836860, MONDO:0012187, OMIM 609054.
Familial cancer of breast. Also called: hereditary breast carcinoma; BREAST CANCER, FAMILIAL; Hereditary breast cancer. Identifiers: Orphanet 227535, MedGen C0346153, MONDO:0016419, OMIM 114480. Disease mechanism: loss of function.

Allele frequency attached by ClinVar (database versions not stated): TOPMed below 0.00001.

Submissions (4):

Labcorp Genetics (formerly Invitae), Labcorp
Classification: Likely pathogenic for Familial cancer of breast; Fanconi anemia complementation group J. Last evaluated: 2025-08-25. Review status: criteria provided, single submitter. Criteria: Invitae Variant Classification Sherloc (09022015). Collection method: clinical testing. Allele origin: germline.
Comment: This sequence change affects a donor splice site in intron 4 of the BRIP1 gene. RNA analysis indicates that disruption of this splice site induces altered splicing and may result in an absent or altered protein product. This variant is not present in population databases (gnomAD no frequency). Disruption of this splice site has been observed in individual(s) with ovarian cancer (PMID: 26315354). ClinVar contains an entry for this variant (Variation ID: 860301). Studies have shown that disruption of this splice site results in activation of a cryptic splice site, and produces a non-functional protein and/or introduces a premature termination codon (internal data). In summary, the currently available evidence indicates that the variant is pathogenic, but additional data are needed to prove that conclusively. Therefore, this variant has been classified as Likely Pathogenic.

Ambry Genetics
Classification: Likely pathogenic for Hereditary cancer-predisposing syndrome. Last evaluated: 2025-07-08. Review status: criteria provided, single submitter. Criteria: Ambry Variant Classification Scheme 2023. Collection method: clinical testing. Allele origin: germline.
Comment: The c.379+1G>T intronic variant results from a G to T substitution one nucleotide after coding exon 3 of the BRIP1 gene. In one study, this variant was identified in 1/3236 cases of invasive epithelial ovarian cancer and in 0/3431 European controls (Ramus SJ et al. J Natl Cancer Inst, 2015 Nov;107:). Alterations that disrupt the canonical splice site are expected to result in aberrant splicing. In silico splice site analysis predicts that this alteration will weaken the native splice donor site and will result in the creation or strengthening of a novel splice donor site. RNA studies have demonstrated that this alteration results in abnormal splicing in the set of samples tested (Ambry internal data). This nucleotide position is highly conserved in available vertebrate species. Based on the majority of available evidence to date, this variant is likely to be pathogenic.

Molecular Pathology, Peter Maccallum Cancer Centre
Classification: Likely pathogenic for Familial ovarian cancer. Last evaluated: 2024-07-17. Review status: criteria provided, single submitter. Criteria: ACMG Guidelines, 2015. Collection method: clinical testing. Allele origin: germline. Inheritance: Autosomal dominant inheritance.

GeneDx
Classification: Likely pathogenic. Last evaluated: 2024-03-20. Review status: criteria provided, single submitter. Criteria: GeneDx Variant Classification Process June 2021. Collection method: clinical testing. Allele origin: germline. Affected: yes.
Comment: Canonical splice site variant predicted to result in an in-frame loss of the adjacent exon in a gene for which loss of function is a known mechanism of disease; Not observed at significant frequency in large population cohorts (gnomAD); Observed in individual(s) with ovarian cancer (PMID: 26315354); This variant is associated with the following publications: (PMID: 26315354)

Literature cited by the submitters: PubMed 26315354 (cited by Labcorp Genetics (formerly Invitae), Labcorp and Ambry Genetics).